The following is an entry in ClinVar:

ClinVar aggregate classification (germline): Uncertain significance. Review status: criteria provided, multiple submitters, no conflicts (2 of 4 stars). 4 submissions from 4 submitters: Uncertain significance (4). Last evaluated 2024-08-15.

Conditions:
Adams-Oliver syndrome 5 (AOS5). Identifiers: Orphanet 974, MedGen C4014970, MONDO:0014459, OMIM 616028.
Familial thoracic aortic aneurysm and aortic dissection (TAAD). Also called: Thoracic aortic aneurysms and dissections. Identifiers: Orphanet 91387, MedGen C4707243, MONDO:0019625.

Allele frequency attached by ClinVar (database versions not stated): gnomAD exomes below 0.00001; TOPMed below 0.00001; gnomAD 0.00001.
gnomAD v4.1: 4 of 1,598,290 alleles (0.00025%); highest among the groups gnomAD compares: African/African-American, 0.0013%; no homozygotes.

Submissions (4):

Ambry Genetics
Classification: Uncertain significance for Familial thoracic aortic aneurysm and aortic dissection. Last evaluated: 2024-08-15. Review status: criteria provided, single submitter. Criteria: Ambry Variant Classification Scheme 2023. Collection method: clinical testing. Allele origin: germline.
Comment: The p.G1301R variant (also known as c.3901G>A), located in coding exon 23 of the NOTCH1 gene, results from a G to A substitution at nucleotide position 3901. The amino acid change results in glycine to arginine at codon 1301, an amino acid with dissimilar properties. However, this change occurs in the last base pair of coding exon 23, which makes it likely to have some effect on normal mRNA splicing. This nucleotide position is highly conserved in available vertebrate species. This amino acid position is highly conserved in available vertebrate species. In silico splice site analysis predicts that this alteration may weaken the native splice donor site and may result in the creation or strengthening of a novel splice donor site. In addition, this alteration is predicted to be deleterious by in silico analysis. Based on the available evidence, the clinical significance of this variant remains unclear.

GeneDx
Classification: Uncertain significance. Last evaluated: 2022-08-05. Review status: criteria provided, single submitter. Criteria: GeneDx Variant Classification Process June 2021. Collection method: clinical testing. Allele origin: germline. Affected: yes.
Comment: Not observed at significant frequency in large population cohorts (gnomAD); In silico analysis supports that this missense variant has a deleterious effect on protein structure/function; In-silico analysis is inconclusive as to whether the variant alters gene splicing. In the absence of RNA/functional studies, the actual effect of this sequence change is unknown.; Has not been previously published as pathogenic or benign to our knowledge

Labcorp Genetics (formerly Invitae), Labcorp
Classification: Uncertain significance for Adams-Oliver syndrome 5. Last evaluated: 2022-04-12. Review status: criteria provided, single submitter. Criteria: Invitae Variant Classification Sherloc (09022015). Collection method: clinical testing. Allele origin: germline.
Comment: In summary, the available evidence is currently insufficient to determine the role of this variant in disease. Therefore, it has been classified as a Variant of Uncertain Significance. Variants that disrupt the consensus splice site are a relatively common cause of aberrant splicing (PMID: 17576681, 9536098). Algorithms developed to predict the effect of sequence changes on RNA splicing suggest that this variant may disrupt the consensus splice site. Algorithms developed to predict the effect of missense changes on protein structure and function (SIFT, PolyPhen-2, Align-GVGD) all suggest that this variant is likely to be disruptive. ClinVar contains an entry for this variant (Variation ID: 544194). This variant has not been reported in the literature in individuals affected with NOTCH1-related conditions. This variant is not present in population databases (gnomAD no frequency). This sequence change replaces glycine, which is neutral and non-polar, with arginine, which is basic and polar, at codon 1301 of the NOTCH1 protein (p.Gly1301Arg). This variant also falls at the last nucleotide of exon 23, which is part of the consensus splice site for this exon.

Blueprint Genetics
Classification: Uncertain significance. Last evaluated: 2022-03-15. Review status: criteria provided, single submitter. Criteria: ACMG Guidelines, 2015. Collection method: clinical testing. Allele origin: germline.

Literature cited by the submitters: PubMed 17576681 (cited by Labcorp Genetics (formerly Invitae), Labcorp); PubMed 9536098 (cited by Labcorp Genetics (formerly Invitae), Labcorp).

NM_017617.5(NOTCH1):c.3901G>A (p.Gly1301Arg)

Gene: NOTCH1 (notch receptor 1; minus strand). Cytogenetic location: 9q34.3.
Variant type: single nucleotide variant.
Coding change: c.3901G>A on transcript NM_017617.5 (MANE Select); coding-DNA position 3901, G replaced by A.
Protein change: p.Gly1301Arg; replaces glycine 1301 with arginine.
Molecular consequence: missense variant.
Genome position (GRCh38, 1-based): chr9:136,506,716, C>T on the plus strand (G>A on the coding strand, the complement: NOTCH1 is on the minus strand). VCF-style: chr9-136506716-C-T. GRCh37 (hg19) VCF-style: chr9-139401168-C-T.
Other names: c.3901G>A, p.Gly1301Arg (LRG_1122t1); short protein forms G1301R.
Identifiers: ClinVar variation 544194 (VCV000544194.13), dbSNP rs1227711223, ClinGen allele CA375548937.